The following is an entry in ClinVar:

ClinVar aggregate classification (germline): Uncertain significance (1 of 4 stars; one submission).

Conditions:
Hereditary pancreatitis (PCTT). Also called: Hereditary chronic pancreatitis; PRSS1-Related Hereditary Pancreatitis. Identifiers: Orphanet 676, MedGen C0238339, MONDO:0008185, OMIM 167800.

Submission:

Ambry Genetics
Classification: Uncertain significance for Hereditary pancreatitis. Last evaluated: 2021-07-23. Review status: criteria provided, single submitter. Criteria: Ambry Variant Classification Scheme 2023. Collection method: clinical testing. Allele origin: germline.
Comment: The p.A90P variant (also known as c.268G>C), located in coding exon 3 of the PRSS1 gene, results from a G to C substitution at nucleotide position 268. The alanine at codon 90 is replaced by proline, an amino acid with highly similar properties. This amino acid position is conserved. In addition, the in silico prediction for this alteration is inconclusive. Since supporting evidence is limited at this time, the clinical significance of this alteration remains unclear.

NM_002769.5(PRSS1):c.268G>C (p.Ala90Pro)

Genes: PRSS1 (serine protease 1; plus strand), TRB (T cell receptor beta locus; plus strand). Cytogenetic location: 7q34.
Variant type: single nucleotide variant.
Coding change: c.268G>C on transcript NM_002769.5 (MANE Select); coding-DNA position 268, G replaced by C.
Protein change: p.Ala90Pro; replaces alanine 90 with proline.
Molecular consequence: missense variant. On other transcripts: non-coding transcript variant (4).
Genome position (GRCh38, 1-based): chr7:142,751,841, G>C. VCF-style: chr7-142751841-G-C. GRCh37 (hg19) VCF-style: chr7-142459692-G-C.
Other names: short protein forms A90P.
Identifiers: ClinVar variation 1794786 (VCV001794786.2), dbSNP rs2485753014, ClinGen allele CA369608596.